The following is an entry in ClinVar:

NM_001365999.1(SZT2):c.6253_6255del (p.Tyr2085del)

Gene: SZT2 (SZT2 subunit of KICSTOR complex; plus strand). Cytogenetic location: 1p34.2.
Variant type: Deletion.
Coding change: c.6253_6255del on transcript NM_001365999.1 (MANE Select); coding-DNA positions 6253 to 6255, 3 bases deleted (TAC; older notation c.6253_6255delTAC).
Protein change: p.Tyr2085del; deletes tyrosine 2085.
Molecular consequence: inframe deletion.
Genome position (GRCh38, 1-based): chr1:43,437,471-43,437,473, TAC deleted. VCF-style (leftmost placement, unchanged base first): chr1-43437470-TTAC-T. GRCh37 (hg19) VCF-style: chr1-43903141-TTAC-T.
Other names: c.6082_6084del, p.Tyr2028del (NM_015284.4); short protein forms Y2028del, Y2085del.
Identifiers: ClinVar variation 3341355 (VCV003341355.1).
Genomic context (GRCh38, chr1:43,437,470, plus strand): 5'-CCAGGCCCTGCGCTCTGTGCTCAATGCCTTCTCTGTGGTGAACCGGAAAAACATGTTTGT[TTAC>T]CAGGAGCGAGCAACAAAGGCTGTGTACTATCTTCGGTATGTGGCCCTTGGAAGGTGGGTA-3'

ClinVar aggregate classification (germline): Uncertain significance (1 of 4 stars; one submission).

Conditions:
Developmental and epileptic encephalopathy, 18 (DEE18). Also called: Early infantile epileptic encephalopathy 18. Identifiers: Orphanet 369894, MedGen C3809624, MONDO:0014201, OMIM 615476.

Submission:

Neuberg Centre For Genomic Medicine, NCGM
Classification: Uncertain significance for Developmental and epileptic encephalopathy, 18. Last evaluated: 2023-05-20. Review status: criteria provided, single submitter. Criteria: ACMG Guidelines, 2015. Collection method: clinical testing. Allele origin: germline. Inheritance: Autosomal recessive inheritance. Affected: yes.
Comment: The observed inframe deletion c.6253_6255del (p.Tyr2085del) variant in SZT2 gene has not been reported previously as a pathogenic variant nor as a benign variant, to our knowledge. The p.Tyr2085del variant is absent in gnomAD Exomes database. This variant has not been submitted to the ClinVar database. This p.Tyr2085del causes deletion of amino acid Tyrosine at position 2085. For these reasons, this variant has been classified as a Variant of Uncertain Significance (VUS).